The following is an entry in ClinVar:

NM_017721.5(CC2D1A):c.1424C>T (p.Ser475Leu)

Gene: CC2D1A (coiled-coil and C2 domain containing 1A; plus strand). Cytogenetic location: 19p13.12.
Variant type: single nucleotide variant.
Coding change: c.1424C>T on transcript NM_017721.5 (MANE Select); coding-DNA position 1424, C replaced by T.
Protein change: p.Ser475Leu; replaces serine 475 with leucine.
Molecular consequence: missense variant.
Genome position (GRCh38, 1-based): chr19:13,920,624, C>T. VCF-style: chr19-13920624-C-T. GRCh37 (hg19) VCF-style: chr19-14031437-C-T.
Other names: short protein forms S475L.
Identifiers: ClinVar variation 210593 (VCV000210593.23), dbSNP rs143529486, ClinGen allele CA207615.
Genomic context (GRCh38, chr19:13,920,624, plus strand): 5'-GCCCTGTGGCCCCCACAGCCCAGCCCAAAGCCCCACCCTCAAGAACTCCCCAGTCGGGAT[C>T]AGCCCCAACAGCCAAAGCGCCCCCCAAAGCCACATCCACCAGAGGTAAGTTCCCCCTCCC-3'
Protein context (NP_060191.3, residues 465-485): APPSRTPQSG[Ser475Leu]APTAKAPPKA

ClinVar aggregate classification (germline): Conflicting classifications of pathogenicity. Review status: criteria provided, conflicting classifications (1 of 4 stars). 8 submissions from 8 submitters: Uncertain significance (4); Likely benign (2). 2 of the submissions do not count toward it. Last evaluated 2026-01-26.

Conditions:
CC2D1A-related disorder. Also called: CC2D1A-related condition.
Inborn genetic diseases. Identifiers: MedGen C0950123, MeSH D030342.
Intellectual disability. Also called: Intellectual functioning disability; intellectual disabilities; Intellectual developmental disorder. Identifiers: MedGen C3714756, MeSH D008607, MONDO:0001071, HP:0001249.
Intellectual developmental disorder, autosomal recessive 3. Also called: Intellectual disability, autosomal recessive 3. Identifiers: Orphanet 88616, MedGen C1838023, MONDO:0012037, OMIM 608443.

Allele frequency attached by ClinVar (database versions not stated): gnomAD exomes 0.00015 and 0.00035; ExAC 0.00043; ESP Exome Variant Server 0.00108; 1000 Genomes Project 30x 0.00109; 1000 Genomes Project 0.00120; gnomAD 0.00150 and 0.00156; TOPMed 0.00183.
gnomAD v4.1: 461 of 1,611,172 alleles (0.029%); highest among the groups gnomAD compares: African/African-American, 0.53%; 1 homozygote.

Submissions (8):

Labcorp Genetics (formerly Invitae), Labcorp
Classification: Likely benign. Last evaluated: 2026-01-26. Review status: criteria provided, single submitter. Criteria: Invitae Variant Classification Sherloc (09022015). Collection method: clinical testing. Allele origin: germline.

Blueprint Genetics
Classification: Uncertain significance. Last evaluated: 2024-08-22. Review status: criteria provided, single submitter. Criteria: ACMG Guidelines, 2015. Collection method: clinical testing. Allele origin: germline.

GeneDx
Classification: Uncertain significance. Last evaluated: 2021-02-09. Review status: criteria provided, single submitter. Criteria: GeneDx Variant Classification Process June 2021. Collection method: clinical testing. Allele origin: germline. Affected: yes.
Comment: In silico analysis supports that this missense variant does not alter protein structure/function; Has not been previously published as pathogenic or benign to our knowledge

Ambry Genetics
Classification: Uncertain significance for Inborn genetic diseases. Last evaluated: 2018-12-07. Review status: criteria provided, single submitter. Criteria: Ambry Variant Classification Scheme 2023. Collection method: clinical testing. Allele origin: germline.
Comment: The p.S475L variant (also known as c.1424C>T), located in coding exon 13 of the CC2D1A gene, results from a C to T substitution at nucleotide position 1424. The serine at codon 475 is replaced by leucine, an amino acid with dissimilar properties. This amino acid position is not well conserved in available vertebrate species. In addition, this alteration is predicted to be tolerated by in silico analysis. Since supporting evidence is limited at this time, the clinical significance of this alteration remains unclear.

Baylor Genetics
Classification: Uncertain significance for Intellectual developmental disorder, autosomal recessive 3. Last evaluated: 2018-05-10. Review status: criteria provided, single submitter. Criteria: ACMG Guidelines, 2015. Collection method: clinical testing. Allele origin: unknown. Affected: yes.
Comment: This variant was determined to be of uncertain significance according to ACMG Guidelines, 2015 [PMID:25741868].

Genetic Services Laboratory, University of Chicago
Classification: Likely benign. Last evaluated: 2017-01-19. Review status: criteria provided, single submitter. Criteria: ACMG Guidelines, 2015. Collection method: clinical testing. Allele origin: germline. Affected: no.

PreventionGenetics, part of Exact Sciences
Classification: Likely benign for CC2D1A-related condition. Last evaluated: 2020-01-13. Review status: no assertion criteria provided. Collection method: clinical testing. Allele origin: germline. Not counted in ClinVar's aggregate classification.
Comment: This variant is classified as likely benign based on ACMG/AMP sequence variant interpretation guidelines (Richards et al. 2015 PMID: 25741868, with internal and published modifications).

Centre de Biologie Pathologie Génétique, Centre Hospitalier Universitaire de Lille
Classification: Uncertain significance for Intellectual disability. Last evaluated: 2019-01-01. Review status: no assertion criteria provided. Collection method: clinical testing. Allele origin: unknown. Affected: yes. Not counted in ClinVar's aggregate classification.